The following is an entry in ClinVar:

ClinVar aggregate classification (germline): Uncertain significance (1 of 4 stars; one submission).

Conditions:
Pityriasis rubra pilaris (PRP). Also called: Pityriasis rubra pilaris--familial type. Identifiers: Orphanet 2897, MedGen C0032027, MONDO:0100017, OMIM 173200, MONDO:0008251.
Psoriasis 2. Identifiers: MedGen C1864497, MONDO:0011269, OMIM 602723.

Submission:

Labcorp Genetics (formerly Invitae), Labcorp
Classification: Uncertain significance for Pityriasis rubra pilaris; Psoriasis 2. Last evaluated: 2025-04-24. Review status: criteria provided, single submitter. Criteria: Invitae Variant Classification Sherloc (09022015). Collection method: clinical testing. Allele origin: germline.
Comment: This sequence change creates a premature translational stop signal (p.Glu245Asnfs*7) in the CARD14 gene. It is expected to result in an absent or disrupted protein product. However, the current clinical and genetic evidence is not sufficient to establish whether loss-of-function variants in CARD14 cause disease. The frequency data for this variant in the population databases is considered unreliable, as metrics indicate poor data quality at this position in the gnomAD database. This variant has not been reported in the literature in individuals affected with CARD14-related conditions. ClinVar contains an entry for this variant (Variation ID: 3748893). In summary, the available evidence is currently insufficient to determine the role of this variant in disease. Therefore, it has been classified as a Variant of Uncertain Significance.

NM_001366385.1(CARD14):c.733del (p.Glu245fs)

Gene: CARD14 (caspase recruitment domain family member 14; plus strand). Cytogenetic location: 17q25.3.
Variant type: Deletion.
Coding change: c.733del on transcript NM_001366385.1 (MANE Select); coding-DNA position 733, one base deleted (G; older notation c.733delG).
Protein change: p.Glu245fs; shifts the reading frame from glutamic acid 245.
Molecular consequence: frameshift variant. On other transcripts: non-coding transcript variant (1).
Genome position (GRCh38, 1-based): chr17:80,188,434, G deleted; the last of 2 consecutive G bases (chr17:80,188,433-80,188,434); deleting either gives the same sequence. VCF-style (leftmost placement, unchanged base first): chr17-80188432-TG-T. GRCh37 (hg19) VCF-style: chr17-78162231-TG-T.
Other names: c.733del, p.Glu245fs (NM_001257970.1, NM_024110.4); c.22del, p.Glu8fs (NM_052819.3); short protein forms E245fs, E8fs.
Identifiers: ClinVar variation 3748893 (VCV003748893.2).